The following is an entry in ClinVar:

NM_017780.4(CHD7):c.7432T>C (p.Phe2478Leu)

Gene: CHD7 (chromodomain helicase DNA binding protein 7; plus strand). Cytogenetic location: 8q12.2.
Variant type: single nucleotide variant.
Coding change: c.7432T>C on transcript NM_017780.4 (MANE Select); coding-DNA position 7432, T replaced by C.
Protein change: p.Phe2478Leu; replaces phenylalanine 2478 with leucine.
Molecular consequence: missense variant. On other transcripts: intron variant (1).
Genome position (GRCh38, 1-based): chr8:60,856,712, T>C. VCF-style: chr8-60856712-T-C. GRCh37 (hg19) VCF-style: chr8-61769271-T-C.
Other names: c.1717-5517T>C (NM_001316690.1); short protein forms F2478L.
Identifiers: ClinVar variation 5000499 (VCV005000499.1).
Genomic context (GRCh38, chr8:60,856,712, plus strand): 5'-TTTTCATCTCTTTCTTCAAAGTTTATCTTGCCTAATGTCTCAACACCAGTGTCTGATGCC[T>C]TTAAGACTCAAATGGAACTGCTCCAAGCAGGCCTTTCGCGCACACCCACAAGGCATCTCC-3'
Protein context (NP_060250.2, residues 2468-2488): PNVSTPVSDA[Phe2478Leu]KTQMELLQAG

ClinVar aggregate classification (germline): Uncertain significance (1 of 4 stars; one submission).

Conditions:
CHD7-related disorder. Also called: CHD7-related condition.

gnomAD v4.1: 6 of 1,613,926 alleles (0.00037%); highest among the groups gnomAD compares: African/African-American, 0.0013%; no homozygotes.

Submission:

PreventionGenetics, part of Exact Sciences
Classification: Uncertain significance for CHD7-related condition. Last evaluated: 2025-01-06. Review status: criteria provided, single submitter. Criteria: ACMG Guidelines, 2015. Collection method: clinical testing. Allele origin: germline.
Comment: The CHD7 c.7432T>C variant is predicted to result in the amino acid substitution p.Phe2478Leu. To our knowledge, this variant has not been reported in the literature. This variant is present in 0.011% of alleles in individuals of African descent in gnomAD. At this time, the clinical significance of this variant is uncertain due to the absence of conclusive functional and genetic evidence.